The following is an entry in ClinVar:

ClinVar aggregate classification (germline): Uncertain significance. Review status: criteria provided, multiple submitters, no conflicts (2 of 4 stars). 2 submissions from 2 submitters: Uncertain significance (2). Last evaluated 2026-05-02.

Conditions:
SLC12A6-related disorder. Also called: SLC12A6-related condition.

gnomAD v4.1: 1 of 1,610,202 alleles (0.000062%); highest among the groups gnomAD compares: South Asian, 0.0011%; no homozygotes.

Submissions (2):

PreventionGenetics, part of Exact Sciences
Classification: Uncertain significance for SLC12A6-related condition. Last evaluated: 2026-05-02. Review status: criteria provided, single submitter. Criteria: ACMG Guidelines, 2015. Collection method: clinical testing. Allele origin: germline.
Comment: The SLC12A6 c.1279A>G variant is predicted to result in the amino acid substitution p.Asn427Asp. To our knowledge, this variant has not been reported in the literature or in a large population database (gnomAD), indicating this variant is rare. At this time, the clinical significance of this variant is uncertain due to the absence of conclusive functional and genetic evidence.

Labcorp Genetics (formerly Invitae), Labcorp
Classification: Uncertain significance. Last evaluated: 2024-12-05. Review status: criteria provided, single submitter. Criteria: Invitae Variant Classification Sherloc (09022015). Collection method: clinical testing. Allele origin: germline.
Comment: This sequence change replaces asparagine, which is neutral and polar, with aspartic acid, which is acidic and polar, at codon 427 of the SLC12A6 protein (p.Asn427Asp). This variant is not present in population databases (gnomAD no frequency). This variant has not been reported in the literature in individuals affected with SLC12A6-related conditions. Invitae Evidence Modeling of protein sequence and biophysical properties (such as structural, functional, and spatial information, amino acid conservation, physicochemical variation, residue mobility, and thermodynamic stability) has been performed for this missense variant. However, the output from this modeling did not meet the statistical confidence thresholds required to predict the impact of this variant on SLC12A6 protein function. In summary, the available evidence is currently insufficient to determine the role of this variant in disease. Therefore, it has been classified as a Variant of Uncertain Significance.

NM_001365088.1(SLC12A6):c.1279A>G (p.Asn427Asp)

Gene: SLC12A6 (solute carrier family 12 member 6; minus strand). Cytogenetic location: 15q14.
Variant type: single nucleotide variant.
Coding change: c.1279A>G on transcript NM_001365088.1 (MANE Select); coding-DNA position 1279, A replaced by G.
Protein change: p.Asn427Asp; replaces asparagine 427 with aspartic acid.
Molecular consequence: missense variant.
Genome position (GRCh38, 1-based): chr15:34,252,224, T>C on the plus strand (A>G on the coding strand, the complement: SLC12A6 is on the minus strand). VCF-style: chr15-34252224-T-C. GRCh37 (hg19) VCF-style: chr15-34544425-T-C.
Other names: c.1102A>G, p.Asn368Asp (NM_001042494.2, NM_001042495.2); c.1252A>G, p.Asn418Asp (NM_001042496.2); c.1234A>G, p.Asn412Asp (NM_001042497.2); c.1126A>G, p.Asn376Asp (NM_005135.2); c.1279A>G, p.Asn427Asp (NM_133647.2); short protein forms N368D, N376D, N412D, N418D, N427D.
Identifiers: ClinVar variation 3606234 (VCV003606234.3).
Genomic context (GRCh38, chr15:34,252,224, plus strand): 5'-ACTTACCTGTAATTATACCACTAGCCAATCCAGGAATGCCCTGGATTGAAGTGACGTTAT[T>C]GTGAACAAAGTATTCATCACAGGTGGCATTGAAAAATTGACTCGAGTTACAGAAGAATCC-3'
Protein context (NP_001352017.1, residues 417-437): NATCDEYFVH[Asn427Asp]NVTSIQGIPG